The following is an entry in ClinVar:

ClinVar aggregate classification (germline): Uncertain significance (1 of 4 stars; one submission).

Conditions:
Long QT syndrome (LQTS). Identifiers: MedGen C0023976, MeSH D008133, MONDO:0002442. Disease mechanism: loss of function. Inheritance: Various modes of inheritance.

Submission:

Labcorp Genetics (formerly Invitae), Labcorp
Classification: Uncertain significance for Long QT syndrome. Last evaluated: 2025-05-26. Review status: criteria provided, single submitter. Criteria: Invitae Variant Classification Sherloc (09022015). Collection method: clinical testing. Allele origin: germline.
Comment: This variant, c.201_221del, results in the deletion of 7 amino acid(s) of the KCNQ1 protein (p.Ala68_Pro74del), but otherwise preserves the integrity of the reading frame. This variant is present in population databases (rs756311706, gnomAD 0.02%). This variant has not been reported in the literature in individuals affected with KCNQ1-related conditions. Experimental studies and prediction algorithms are not available or were not evaluated, and the functional significance of this variant is currently unknown. In summary, the available evidence is currently insufficient to determine the role of this variant in disease. Therefore, it has been classified as a Variant of Uncertain Significance.

NM_000218.3(KCNQ1):c.201_221del (p.Ala68_Pro74del)

Gene: KCNQ1 (potassium voltage-gated channel subfamily Q member 1; plus strand). Cytogenetic location: 11p15.5.
Variant type: Deletion.
Coding change: c.201_221del on transcript NM_000218.3 (MANE Select); coding-DNA positions 201 to 221, 21 bases deleted (GGCCGCGCCCGCCGCGCCCCC).
Protein change: p.Ala68_Pro74del.
Molecular consequence: inframe deletion.
Genome position (GRCh38, 1-based): chr11:2,445,299-2,445,319, GGCCGCGCCCGCCGCGCCCCC deleted; deleting any 21 consecutive bases within chr11:2,445,295-2,445,319 gives the same sequence; the c. name uses the placement nearest the transcript's 3' end. VCF-style (leftmost placement, unchanged base first): chr11-2445294-TCCCCGGCCGCGCCCGCCGCGC-T. GRCh37 (hg19) VCF-style: chr11-2466524-TCCCCGGCCGCGCCCGCCGCGC-T.
Identifiers: ClinVar variation 4774615 (VCV004774615.1), dbSNP rs794728564.